The following is an entry in ClinVar:

ClinVar aggregate classification (germline): Uncertain significance (1 of 4 stars; one submission).

Conditions:
Inborn genetic diseases. Identifiers: MedGen C0950123, MeSH D030342.

gnomAD v4.1: 1 of 1,614,082 alleles (0.000062%); highest among the groups gnomAD compares: South Asian, 0.0011%; no homozygotes.

Submission:

Ambry Genetics
Classification: Uncertain significance for Inborn genetic diseases. Last evaluated: 2024-09-08. Review status: criteria provided, single submitter. Criteria: Ambry Variant Classification Scheme 2023. Collection method: clinical testing. Allele origin: germline.
Comment: The p.Q351K variant (also known as c.1051C>A), located in coding exon 4 of the ATR gene, results from a C to A substitution at nucleotide position 1051. The glutamine at codon 351 is replaced by lysine, an amino acid with similar properties. This amino acid position is conserved. In addition, the in silico prediction for this alteration is inconclusive. Based on the available evidence, the clinical significance of this variant remains unclear.

NM_001184.4(ATR):c.1051C>A (p.Gln351Lys)

Gene: ATR (ATR serine/threonine kinase; minus strand). Cytogenetic location: 3q23.
Variant type: single nucleotide variant.
Coding change: c.1051C>A on transcript NM_001184.4 (MANE Select); coding-DNA position 1051, C replaced by A.
Protein change: p.Gln351Lys; replaces glutamine 351 with lysine.
Molecular consequence: missense variant.
Genome position (GRCh38, 1-based): chr3:142,562,351, G>T on the plus strand (C>A on the coding strand, the complement: ATR is on the minus strand). VCF-style: chr3-142562351-G-T. GRCh37 (hg19) VCF-style: chr3-142281193-G-T.
Other names: c.1051C>A, p.Gln351Lys (NM_001354579.2); short protein forms Q351K.
Identifiers: ClinVar variation 3462654 (VCV003462654.1).